The following is an entry in ClinVar:

ClinVar aggregate classification (germline): Benign (0 of 4 stars; one submission).

Conditions:
ALKBH8-related disorder. Also called: ALKBH8-related condition.

Allele frequency attached by ClinVar (database versions not stated): ESP Exome Variant Server 0.10602; TOPMed 0.10731; 1000 Genomes Project 0.10883; 1000 Genomes Project 30x 0.11743.
gnomAD v4.1: 29,947 of 1,611,148 alleles (1.9%); highest among the groups gnomAD compares: African/African-American, 32%; 4,058 homozygotes.

Submission:

PreventionGenetics, part of Exact Sciences
Classification: Benign for ALKBH8-related condition. Last evaluated: 2019-11-26. Review status: no assertion criteria provided. Collection method: clinical testing. Allele origin: germline.
Comment: This variant is classified as benign based on ACMG/AMP sequence variant interpretation guidelines (Richards et al. 2015 PMID: 25741868, with internal and published modifications).

NM_138775.3(ALKBH8):c.243G>C (p.Pro81=)

Gene: ALKBH8 (alkB homolog 8, tRNA methyltransferase; minus strand). Cytogenetic location: 11q22.3.
Variant type: single nucleotide variant.
Coding change: c.243G>C on transcript NM_138775.3 (MANE Select); coding-DNA position 243, G replaced by C.
Protein change: p.Pro81=; no amino-acid change (proline 81 retained).
Molecular consequence: synonymous variant. On other transcripts: non-coding transcript variant (6).
Genome position (GRCh38, 1-based): chr11:107,556,890, C>G on the plus strand (G>C on the coding strand, the complement: ALKBH8 is on the minus strand). VCF-style: chr11-107556890-C-G. GRCh37 (hg19) VCF-style: chr11-107427616-C-G.
Other names: c.243G>C, p.Pro81= (NM_001301010.3, NM_001378133.1).
Identifiers: ClinVar variation 3037523 (VCV003037523.2), dbSNP rs17107135, ClinGen allele CA6261295.